The following is an entry in ClinVar:

NM_004183.4(BEST1):c.1067G>C (p.Arg356Pro)

Gene: BEST1 (bestrophin 1; plus strand). Cytogenetic location: 11q12.3.
Variant type: single nucleotide variant.
Coding change: c.1067G>C on transcript NM_004183.4 (MANE Select); coding-DNA position 1067, G replaced by C.
Protein change: p.Arg356Pro; replaces arginine 356 with proline.
Molecular consequence: missense variant. On other transcripts: non-coding transcript variant (1).
Genome position (GRCh38, 1-based): chr11:61,960,010, G>C. VCF-style: chr11-61960010-G-C. GRCh37 (hg19) VCF-style: chr11-61727482-G-C.
Other names: c.887G>C, p.Arg296Pro (NM_001139443.3, NM_001300787.2); c.806G>C, p.Arg269Pro (NM_001300786.2, NM_001440574.1); c.749G>C, p.Arg250Pro (NM_001363591.3); c.1270G>C, p.Glu424Gln (NM_001363592.2); c.95G>C, p.Arg32Pro (NM_001363593.3); c.1067G>C, p.Arg356Pro (NM_001440571.1); c.986G>C, p.Arg329Pro (NM_001440572.1); c.914G>C, p.Arg305Pro (NM_001440573.1); and 2 more; short protein forms E424Q, R218P, R245P, R250P, R269P, R296P, R305P, R329P.
Identifiers: ClinVar variation 5019691 (VCV005019691.2).

ClinVar aggregate classification (germline): Uncertain significance (1 of 4 stars; one submission).

Conditions:
Autosomal dominant vitreoretinochoroidopathy. Also called: VITREORETINOCHOROIDOPATHY, AUTOSOMAL DOMINANT, WITH NANOPHTHALMOS; Autosomal Dominant Vitreoretinochoroidopathy (ADVIRC); VITREORETINOCHOROIDOPATHY WITH MICROCORNEA, GLAUCOMA, AND CATARACT. Identifiers: Orphanet 263347, Orphanet 3086, MedGen C3888099, MONDO:0008662, OMIM 193220.
Autosomal recessive bestrophinopathy. Also called: Autosomal Recessive Bestrophinopathy (ARB). Identifiers: Orphanet 139455, MedGen C3888198, MONDO:0012733, OMIM 611809.
Vitelliform macular dystrophy 2. Also called: Best Vitelliform Macular Dystrophy (BVMD); MACULAR DEGENERATION, POLYMORPHIC VITELLINE; VITELLIFORM MACULAR DYSTROPHY, EARLY-ONSET; VITELLIFORM MACULAR DYSTROPHY, JUVENILE-ONSET; Best vitelliform macular dystrophy, multifocal; Best Macular Dystrophy. Identifiers: Orphanet 1243, MedGen C2745945, MONDO:0007931, OMIM 153700.
Retinitis pigmentosa 50 (RP50). Also called: Retinitis pigmentosa, concentric. Identifiers: Orphanet 791, MedGen C2750789, MONDO:0013175, OMIM 613194.

Submission:

Juno Genomics, Hangzhou Juno Genomics, Inc
Classification: Uncertain significance for Autosomal dominant vitreoretinochoroidopathy; Autosomal recessive bestrophinopathy; Vitelliform macular dystrophy 2; Retinitis pigmentosa 50. Review status: criteria provided, single submitter. Criteria: ACMG Guidelines, 2015. Collection method: clinical testing. Allele origin: germline.
Comment: Absent from controls (or at extremely low frequency if recessive) in Genome Aggregation Database.;Multiple lines of computational evidence support a deleterious effect on the gene or gene product.